The following is an entry in ClinVar:

NM_005359.6(SMAD4):c.1412G>A (p.Gly471Asp)

Gene: SMAD4 (SMAD family member 4; plus strand). Cytogenetic location: 18q21.2.
Variant type: single nucleotide variant.
Coding change: c.1412G>A on transcript NM_005359.6 (MANE Select); coding-DNA position 1412, G replaced by A.
Protein change: p.Gly471Asp; replaces glycine 471 with aspartic acid.
Molecular consequence: missense variant. On other transcripts: non-coding transcript variant (1).
Genome position (GRCh38, 1-based): chr18:51,076,741, G>A. VCF-style: chr18-51076741-G-A. GRCh37 (hg19) VCF-style: chr18-48603111-G-A.
Other names: c.1412G>A, p.Gly471Asp (NM_001407041.1, NM_001407042.1); short protein forms G471D.
Identifiers: ClinVar variation 4803033 (VCV004803033.1).

ClinVar aggregate classification (germline): Uncertain significance (1 of 4 stars; one submission).

Conditions:
Juvenile polyposis syndrome (JPS). Identifiers: Orphanet 2929, MedGen C0345893, MONDO:0017380, OMIM 174900.

Submission:

Labcorp Genetics (formerly Invitae), Labcorp
Classification: Uncertain significance for Juvenile polyposis syndrome. Last evaluated: 2025-11-22. Review status: criteria provided, single submitter. Criteria: Invitae Variant Classification Sherloc (09022015). Collection method: clinical testing. Allele origin: germline.
Comment: This sequence change replaces glycine, which is neutral and non-polar, with aspartic acid, which is acidic and polar, at codon 471 of the SMAD4 protein (p.Gly471Asp). This variant is not present in population databases (gnomAD no frequency). This variant has not been reported in the literature in individuals affected with SMAD4-related conditions. Invitae Evidence Modeling of protein sequence and biophysical properties (such as structural, functional, and spatial information, amino acid conservation, physicochemical variation, residue mobility, and thermodynamic stability) has been performed for this missense variant. However, the output from this modeling did not meet the statistical confidence thresholds required to predict the impact of this variant on SMAD4 protein function. In summary, the available evidence is currently insufficient to determine the role of this variant in disease. Therefore, it has been classified as a Variant of Uncertain Significance.